The following is an entry in ClinVar:

ClinVar aggregate classification (germline): Likely benign (1 of 4 stars; one submission).

Submission:

CeGaT Center for Human Genetics Tuebingen
Classification: Likely benign. Last evaluated: 2026-03-01. Review status: criteria provided, single submitter. Criteria: CeGaT Center For Human Genetics Tuebingen Variant Classification Criteria Version 2. Collection method: clinical testing. Allele origin: germline. Affected: yes. Observed: 2 variant alleles.
Comment: ZNF519: BP4, BP7

NM_145287.4(ZNF519):c.1320C>T (p.Ala440=)

Gene: ZNF519 (zinc finger protein 519; minus strand). Cytogenetic location: 18p11.21.
Variant type: single nucleotide variant.
Coding change: c.1320C>T on transcript NM_145287.4 (MANE Select); coding-DNA position 1320, C replaced by T.
Protein change: p.Ala440=; no amino-acid change (alanine 440 retained).
Molecular consequence: synonymous variant.
Genome position (GRCh38, 1-based): chr18:14,105,220, G>A on the plus strand (C>T on the coding strand, the complement: ZNF519 is on the minus strand). VCF-style: chr18-14105220-G-A. GRCh37 (hg19) VCF-style: chr18-14105219-G-A.
Identifiers: ClinVar variation 4280742 (VCV004280742.7).